The following is an entry in ClinVar:

ClinVar aggregate classification (germline): Uncertain significance (1 of 4 stars; one submission).

Conditions:
Tuberous sclerosis 2 (TSC2). Identifiers: Orphanet 805, MedGen C1860707, MONDO:0013199, OMIM 613254.

Submission:

Labcorp Genetics (formerly Invitae), Labcorp
Classification: Uncertain significance for Tuberous sclerosis 2. Last evaluated: 2022-12-05. Review status: criteria provided, single submitter. Criteria: Invitae Variant Classification Sherloc (09022015). Collection method: clinical testing. Allele origin: germline.
Comment: In summary, the available evidence is currently insufficient to determine the role of this variant in disease. Therefore, it has been classified as a Variant of Uncertain Significance. Advanced modeling of protein sequence and biophysical properties (such as structural, functional, and spatial information, amino acid conservation, physicochemical variation, residue mobility, and thermodynamic stability) has been performed at Invitae for this missense variant, however the output from this modeling did not meet the statistical confidence thresholds required to predict the impact of this variant on TSC2 protein function. This variant has not been reported in the literature in individuals affected with TSC2-related conditions. This variant is not present in population databases (gnomAD no frequency). This sequence change replaces serine, which is neutral and polar, with phenylalanine, which is neutral and non-polar, at codon 1563 of the TSC2 protein (p.Ser1563Phe).

NM_000548.5(TSC2):c.4688C>T (p.Ser1563Phe)

Gene: TSC2 (TSC complex subunit 2; plus strand). Cytogenetic location: 16p13.3.
Variant type: single nucleotide variant.
Coding change: c.4688C>T on transcript NM_000548.5 (MANE Select); coding-DNA position 4688, C replaced by T.
Protein change: p.Ser1563Phe; replaces serine 1563 with phenylalanine.
Molecular consequence: missense variant. On other transcripts: non-coding transcript variant (5).
Genome position (GRCh38, 1-based): chr16:2,086,218, C>T. VCF-style: chr16-2086218-C-T. GRCh37 (hg19) VCF-style: chr16-2136219-C-T.
Other names: c.3890C>T, p.Ser1297Phe (NM_001406686.1, NM_001406685.1); c.3887C>T, p.Ser1296Phe (NM_001406687.1, NM_001406688.1); c.3275C>T, p.Ser1092Phe (NM_001406689.1); c.3215C>T, p.Ser1072Phe (NM_001406690.1); c.3212C>T, p.Ser1071Phe (NM_001406691.1); c.3146C>T, p.Ser1049Phe (NM_001406692.1, NM_001406693.1, NM_001406694.1); c.3143C>T, p.Ser1048Phe (NM_001406695.1, NM_001406696.1, NM_001406697.1); c.2885C>T, p.Ser962Phe (NM_001406698.1); and 26 more; short protein forms S1296F, S1319F, S1343F, S1363F, S1460F, S1477F, S1493F, S1503F.
Identifiers: ClinVar variation 2996725 (VCV002996725.3), dbSNP rs533515579, ClinGen allele CA394307110.